The following is an entry in ClinVar:

ClinVar aggregate classification (germline): Uncertain significance. Review status: criteria provided, multiple submitters, no conflicts (2 of 4 stars). 2 submissions from 2 submitters: Uncertain significance (2). Last evaluated 2025-02-02.

Conditions:
Inborn genetic diseases. Identifiers: MedGen C0950123, MeSH D030342.
Early-infantile DEE. Also called: Early infantile epileptic encephalopathy; Early infantile epileptic encephalopathy with suppression bursts; Ohtahara syndrome. Identifiers: Orphanet 1934, MedGen C0393706, MONDO:0800491.

Allele frequency attached by ClinVar (database versions not stated): gnomAD exomes below 0.00001; TOPMed below 0.00001; ExAC 0.00001.
gnomAD v4.1: 6 of 1,614,058 alleles (0.00037%); highest among the groups gnomAD compares: Non-Finnish European, 0.00051%; no homozygotes.

Submissions (2):

Labcorp Genetics (formerly Invitae), Labcorp
Classification: Uncertain significance for Early-infantile DEE. Last evaluated: 2025-02-02. Review status: criteria provided, single submitter. Criteria: Invitae Variant Classification Sherloc (09022015). Collection method: clinical testing. Allele origin: germline.
Comment: This sequence change replaces glutamic acid, which is acidic and polar, with aspartic acid, which is acidic and polar, at codon 1223 of the SPTAN1 protein (p.Glu1223Asp). This variant is present in population databases (rs747129367, gnomAD 0.0009%). This variant has not been reported in the literature in individuals affected with SPTAN1-related conditions. ClinVar contains an entry for this variant (Variation ID: 521838). Invitae Evidence Modeling of protein sequence and biophysical properties (such as structural, functional, and spatial information, amino acid conservation, physicochemical variation, residue mobility, and thermodynamic stability) has been performed for this missense variant. However, the output from this modeling did not meet the statistical confidence thresholds required to predict the impact of this variant on SPTAN1 protein function. In summary, the available evidence is currently insufficient to determine the role of this variant in disease. Therefore, it has been classified as a Variant of Uncertain Significance.

Ambry Genetics
Classification: Uncertain significance for Inborn genetic diseases. Last evaluated: 2017-07-12. Review status: criteria provided, single submitter. Criteria: Ambry Variant Classification Scheme 2023. Collection method: clinical testing. Allele origin: germline.
Comment: The p.E1223D variant (also known as c.3669G>C), located in coding exon 28 of the SPTAN1 gene, results from a G to C substitution at nucleotide position 3669. The glutamic acid at codon 1223 is replaced by aspartic acid, an amino acid with highly similar properties. This amino acid position is highly conserved in available vertebrate species. In addition, this alteration is predicted to be tolerated by in silico analysis. Since supporting evidence is limited at this time, the clinical significance of this alteration remains unclear.

NM_001130438.3(SPTAN1):c.3669G>C (p.Glu1223Asp)

Gene: SPTAN1 (spectrin alpha, non-erythrocytic 1; plus strand). Cytogenetic location: 9q34.11.
Variant type: single nucleotide variant.
Coding change: c.3669G>C on transcript NM_001130438.3 (MANE Select); coding-DNA position 3669, G replaced by C.
Protein change: p.Glu1223Asp; replaces glutamic acid 1223 with aspartic acid.
Molecular consequence: missense variant.
Genome position (GRCh38, 1-based): chr9:128,604,367, G>C. VCF-style: chr9-128604367-G-C. GRCh37 (hg19) VCF-style: chr9-131366646-G-C.
Other names: c.3609G>C, p.Glu1203Asp (NM_001195532.2, NM_001363765.2); c.3669G>C, p.Glu1223Asp (NM_001363759.2, NM_003127.4); short protein forms E1223D, E1203D.
Identifiers: ClinVar variation 521838 (VCV000521838.5), dbSNP rs747129367, ClinGen allele CA5265013.